The following is an entry in ClinVar:

ClinVar aggregate classification (germline): Uncertain significance. Review status: criteria provided, multiple submitters, no conflicts (2 of 4 stars). 2 submissions from 2 submitters: Uncertain significance (2). Last evaluated 2026-02-17.

Conditions:
Cardiovascular phenotype. Identifiers: MedGen CN230736.

gnomAD v4.1: 1 of 1,600,038 alleles (0.000062%); highest among the groups gnomAD compares: Non-Finnish European, 0.000085%; no homozygotes.

Submissions (2):

Ambry Genetics
Classification: Uncertain significance for Cardiovascular phenotype. Last evaluated: 2026-02-17. Review status: criteria provided, single submitter. Criteria: Ambry Variant Classification Scheme 2023. Collection method: clinical testing. Allele origin: germline.
Comment: The p.H215P variant (also known as c.644A>C), located in coding exon 5 of the ENG gene, results from an A to C substitution at nucleotide position 644. The histidine at codon 215 is replaced by proline, an amino acid with similar properties. This amino acid position is conserved. In addition, this alteration is predicted to be tolerated by in silico analysis. Based on the available evidence, the clinical significance of this variant remains unclear.

GeneDx
Classification: Uncertain significance. Last evaluated: 2025-05-21. Review status: criteria provided, single submitter. Criteria: GeneDx Variant Classification Process June 2021. Collection method: clinical testing. Allele origin: germline. Affected: yes.
Comment: Not observed at significant frequency in large population cohorts (gnomAD); In silico analysis supports that this missense variant has a deleterious effect on protein structure/function; Has not been previously published as pathogenic or benign to our knowledge

NM_001114753.3(ENG):c.644A>C (p.His215Pro)

Gene: ENG (endoglin; minus strand). Cytogenetic location: 9q34.11.
Variant type: single nucleotide variant.
Coding change: c.644A>C on transcript NM_001114753.3 (MANE Select); coding-DNA position 644, A replaced by C.
Protein change: p.His215Pro; replaces histidine 215 with proline.
Molecular consequence: missense variant.
Genome position (GRCh38, 1-based): chr9:127,825,740, T>G on the plus strand (A>C on the coding strand, the complement: ENG is on the minus strand). VCF-style: chr9-127825740-T-G. GRCh37 (hg19) VCF-style: chr9-130588019-T-G.
Other names: c.644A>C, p.His215Pro (NM_000118.4, NM_001406715.1); c.98A>C, p.His33Pro (NM_001278138.2); c.644A>C (NM_001114753.1); short protein forms H215P, H33P.
Identifiers: ClinVar variation 4530845 (VCV004530845.2).